The following is an entry in ClinVar:

NM_001197104.2(KMT2A):c.9649C>T (p.Pro3217Ser)

Gene: KMT2A (lysine methyltransferase 2A; plus strand). Cytogenetic location: 11q23.3.
Variant type: single nucleotide variant.
Coding change: c.9649C>T on transcript NM_001197104.2 (MANE Select); coding-DNA position 9649, C replaced by T.
Protein change: p.Pro3217Ser; replaces proline 3217 with serine.
Molecular consequence: missense variant.
Genome position (GRCh38, 1-based): chr11:118,505,541, C>T. VCF-style: chr11-118505541-C-T. GRCh37 (hg19) VCF-style: chr11-118376256-C-T.
Other names: c.9739C>T, p.Pro3247Ser (NM_001412597.1); c.9640C>T, p.Pro3214Ser (NM_005933.4); short protein forms P3247S, P3217S, P3214S.
Identifiers: ClinVar variation 3677959 (VCV003677959.2).

ClinVar aggregate classification (germline): Uncertain significance (1 of 4 stars; one submission).

gnomAD v4.1: 1 of 1,614,182 alleles (0.000062%); highest among the groups gnomAD compares: Non-Finnish European, 0.000085%; no homozygotes.

Submission:

Labcorp Genetics (formerly Invitae), Labcorp
Classification: Uncertain significance. Last evaluated: 2024-10-12. Review status: criteria provided, single submitter. Criteria: Invitae Variant Classification Sherloc (09022015). Collection method: clinical testing. Allele origin: germline.
Comment: This sequence change replaces proline, which is neutral and non-polar, with serine, which is neutral and polar, at codon 3217 of the KMT2A protein (p.Pro3217Ser). This variant is not present in population databases (gnomAD no frequency). This variant has not been reported in the literature in individuals affected with KMT2A-related conditions. Invitae Evidence Modeling of protein sequence and biophysical properties (such as structural, functional, and spatial information, amino acid conservation, physicochemical variation, residue mobility, and thermodynamic stability) indicates that this missense variant is not expected to disrupt KMT2A protein function with a negative predictive value of 95%. In summary, the available evidence is currently insufficient to determine the role of this variant in disease. Therefore, it has been classified as a Variant of Uncertain Significance.